The following is an entry in ClinVar:

GRCh38/hg38 4p16.3(chr4:72555-690085)x1

Genes: ATP5ME (ATP synthase membrane subunit e; minus strand), MIR571 (microRNA 571; plus strand), MYL5 (myosin light chain 5; plus strand), PDE6B (phosphodiesterase 6B; plus strand), PDE6B-AS1 (PDE6B antisense RNA 1; minus strand) and 22 more. Cytogenetic location: 4p16.3.
Variant type: copy number loss.
Change: copy number 1 (one copy instead of two) of chr4:72,555-690,085 (617.5 kb, GRCh38 coordinates, 1-based), cytogenetic band 4p16.3.
Identifiers: ClinVar variation 151213 (VCV000151213.2).

ClinVar aggregate classification (germline): conflicting data from submitters (0 of 4 stars; one submission).

Submission:

ISCA site 1
Classification: conflicting data from submitters. Last evaluated: 2013-09-27. Review status: no assertion criteria provided. Collection method: clinical testing. Allele origin: unknown, de novo. Affected: yes. Observed: 2 variant alleles.
Comment: Likely pathogenic(1), Uncertain significance(1)

Copy number variation identified through the course of routine clinical cytogenomic testing in postnatal populations, with clinical assertions as classified by the original submitter. For data from the original published study, Kaminsky, et al. 2011 (PubMed 21844811), please see nstd101.